The following is an entry in ClinVar:

ClinVar aggregate classification (germline): Likely benign (1 of 4 stars; one submission).

Conditions:
Cholestanol storage disease (CTX). Also called: CEREBRAL CHOLESTERINOSIS; Cerebrotendinous Xanthomatosis; CTX: Cerebrotendinous xanthomatosis. Identifiers: Orphanet 909, MedGen C0238052, MONDO:0008948, OMIM 213700.

Allele frequency attached by ClinVar (database versions not stated): gnomAD 0.00028 and 0.00047; TOPMed 0.00052; ExAC 0.00077; 1000 Genomes Project 30x 0.00219; 1000 Genomes Project 0.00220.

Submission:

Illumina Laboratory Services, Illumina
Classification: Likely benign for Cholestanol storage disease. Last evaluated: 2018-01-13. Review status: criteria provided, single submitter. Criteria: ICSL Variant Classification Criteria 13 December 2019. Collection method: clinical testing. Allele origin: germline.
Comment: This variant was observed in the ICSL laboratory as part of a predisposition screen in an ostensibly healthy population. It had not been previously curated by ICSL or reported in the Human Gene Mutation Database (HGMD: prior to June 1st, 2018), and was therefore a candidate for classification through an automated scoring system. Utilizing variant allele frequency, disease prevalence and penetrance estimates, and inheritance mode, an automated score was calculated to assess if this variant is too frequent to cause the disease. Based on the score and internal cut-off values, a variant classified as likely benign is not then subjected to further curation. The score for this variant resulted in a classification of likely benign for this disease.

NM_000784.4(CYP27A1):c.*47G>A

Gene: CYP27A1 (cytochrome P450 family 27 subfamily A member 1; plus strand). Cytogenetic location: 2q35.
Variant type: single nucleotide variant.
Coding change: c.*47G>A on transcript NM_000784.4 (MANE Select); 47 bases downstream of the stop codon, G replaced by A.
Molecular consequence: 3 prime UTR variant.
Genome position (GRCh38, 1-based): chr2:218,815,077, G>A. VCF-style: chr2-218815077-G-A. GRCh37 (hg19) VCF-style: chr2-219679800-G-A.
Identifiers: ClinVar variation 334375 (VCV000334375.5), dbSNP rs140059093, ClinGen allele CA2112960.